The following is an entry in ClinVar:

ClinVar aggregate classification (germline): Uncertain significance (1 of 4 stars; one submission).

Conditions:
Charcot-Marie-Tooth disease axonal type 2O. Also called: Charcot-Marie-Tooth disease, axonal, type 20; CHARCOT-MARIE-TOOTH NEUROPATHY, AXONAL, TYPE 2O; CHARCOT-MARIE-TOOTH DISEASE, AXONAL, AUTOSOMAL DOMINANT, TYPE 2O; Charcot-Marie-Tooth Neuropathy Type 2O. Identifiers: Orphanet 284232, MedGen C3280220, MONDO:0013644, OMIM 614228.

Allele frequency attached by ClinVar (database versions not stated): gnomAD 0.00001.
gnomAD v4.1: 3 of 1,614,070 alleles (0.00019%); highest among the groups gnomAD compares: Non-Finnish European, 0.00017%; no homozygotes.

Submission:

Labcorp Genetics (formerly Invitae), Labcorp
Classification: Uncertain significance for Charcot-Marie-Tooth disease axonal type 2O. Last evaluated: 2023-09-30. Review status: criteria provided, single submitter. Criteria: Invitae Variant Classification Sherloc (09022015). Collection method: clinical testing. Allele origin: germline.
Comment: This sequence change replaces arginine, which is basic and polar, with serine, which is neutral and polar, at codon 1887 of the DYNC1H1 protein (p.Arg1887Ser). This variant is present in population databases (no rsID available, gnomAD 0.01%). This variant has not been reported in the literature in individuals affected with DYNC1H1-related conditions. Advanced modeling of protein sequence and biophysical properties (such as structural, functional, and spatial information, amino acid conservation, physicochemical variation, residue mobility, and thermodynamic stability) has been performed at Invitae for this missense variant, however the output from this modeling did not meet the statistical confidence thresholds required to predict the impact of this variant on DYNC1H1 protein function. In summary, the available evidence is currently insufficient to determine the role of this variant in disease. Therefore, it has been classified as a Variant of Uncertain Significance.

NM_001376.5(DYNC1H1):c.5659C>A (p.Arg1887Ser)

Gene: DYNC1H1 (dynein cytoplasmic 1 heavy chain 1; plus strand). Cytogenetic location: 14q32.31.
Variant type: single nucleotide variant.
Coding change: c.5659C>A on transcript NM_001376.5 (MANE Select); coding-DNA position 5659, C replaced by A.
Protein change: p.Arg1887Ser; replaces arginine 1887 with serine.
Molecular consequence: missense variant.
Genome position (GRCh38, 1-based): chr14:102,006,113, C>A. VCF-style: chr14-102006113-C-A. GRCh37 (hg19) VCF-style: chr14-102472450-C-A.
Other names: short protein forms R1887S.
Identifiers: ClinVar variation 2729281 (VCV002729281.3), dbSNP rs748999002, ClinGen allele CA391049114.